The following is an entry in ClinVar:

ClinVar aggregate classification (germline): Uncertain significance (1 of 4 stars; one submission).

Conditions:
Hereditary cancer-predisposing syndrome. Also called: Tumor predisposition; Hereditary neoplastic syndrome; Hereditary Cancer Syndrome; Neoplastic Syndromes, Hereditary. Identifiers: Orphanet 140162, MedGen C0027672, MeSH D009386, MONDO:0015356.

Submission:

Ambry Genetics
Classification: Uncertain significance for Hereditary cancer-predisposing syndrome. Last evaluated: 2025-03-31. Review status: criteria provided, single submitter. Criteria: Ambry Variant Classification Scheme 2023. Collection method: clinical testing. Allele origin: germline.
Comment: The p.N336K variant (also known as c.1008C>A), located in coding exon 5 of the RET gene, results from a C to A substitution at nucleotide position 1008. The asparagine at codon 336 is replaced by lysine, an amino acid with similar properties. This amino acid position is conserved. In addition, this alteration is predicted to be tolerated by in silico analysis. Based on the available evidence, the clinical significance of this variant remains unclear.

NM_020975.6(RET):c.1008C>A (p.Asn336Lys)

Gene: RET (ret proto-oncogene; plus strand). Cytogenetic location: 10q11.21.
Variant type: single nucleotide variant.
Coding change: c.1008C>A on transcript NM_020975.6 (MANE Select); coding-DNA position 1008, C replaced by A.
Protein change: p.Asn336Lys; replaces asparagine 336 with lysine.
Molecular consequence: missense variant. On other transcripts: intron variant (25).
Genome position (GRCh38, 1-based): chr10:43,106,516, C>A. VCF-style: chr10-43106516-C-A. GRCh37 (hg19) VCF-style: chr10-43601964-C-A.
Other names: c.246C>A, p.Asn82Lys (NM_001355216.2); c.1008C>A, p.Asn336Lys (NM_001406743.1, NM_001406744.1, NM_001406759.1 and 4 more transcripts); c.879C>A, p.Asn293Lys (NM_001406761.1, NM_001406762.1, NM_001406764.1 and 1 more transcripts); c.720C>A, p.Asn240Lys (NM_001406766.1, NM_001406767.1, NM_001406770.1); c.867+1323C>A (NM_001406772.1, NM_001406769.1); c.626-2515C>A (NM_001406773.1, NM_001406771.1); c.625+3887C>A (NM_001406782.1, NM_001406780.1, NM_001406779.1 and 3 more transcripts); c.738+1323C>A (NM_001406774.1); and 5 more; short protein forms N336K, N82K, N240K, N293K.
Identifiers: ClinVar variation 3944683 (VCV003944683.1).